The following is an entry in ClinVar:

ClinVar aggregate classification (germline): Uncertain significance (1 of 4 stars; one submission).

Conditions:
Long QT syndrome (LQTS). Identifiers: MedGen C0023976, MeSH D008133, MONDO:0002442. Disease mechanism: loss of function. Inheritance: Various modes of inheritance.

Submission:

Labcorp Genetics (formerly Invitae), Labcorp
Classification: Uncertain significance for Long QT syndrome. Last evaluated: 2021-05-30. Review status: criteria provided, single submitter. Criteria: Invitae Variant Classification Sherloc (09022015). Collection method: clinical testing. Allele origin: germline.
Comment: In summary, the available evidence is currently insufficient to determine the role of this variant in disease. Therefore, it has been classified as a Variant of Uncertain Significance. Algorithms developed to predict the effect of missense changes on protein structure and function are either unavailable or do not agree on the potential impact of this missense change (SIFT: "Deleterious"; PolyPhen-2: "Probably Damaging"; Align-GVGD: "Class C0"). This variant has not been reported in the literature in individuals with ANK2-related conditions. This variant is not present in population databases (ExAC no frequency). This sequence change replaces alanine with serine at codon 1328 of the ANK2 protein (p.Ala1328Ser). The alanine residue is highly conserved and there is a moderate physicochemical difference between alanine and serine.

NM_001148.6(ANK2):c.3982G>T (p.Ala1328Ser)

Gene: ANK2 (ankyrin 2; plus strand). Cytogenetic location: 4q26.
Variant type: single nucleotide variant.
Coding change: c.3982G>T on transcript NM_001148.6 (MANE Select); coding-DNA position 3982, G replaced by T.
Protein change: p.Ala1328Ser; replaces alanine 1328 with serine.
Molecular consequence: missense variant.
Genome position (GRCh38, 1-based): chr4:113,341,776, G>T. VCF-style: chr4-113341776-G-T. GRCh37 (hg19) VCF-style: chr4-114262932-G-T.
Other names: c.3955G>T, p.Ala1319Ser (NM_001127493.3); c.3994G>T, p.Ala1332Ser (NM_001354225.2); c.3883G>T, p.Ala1295Ser (NM_001354228.2, NM_001354258.2); c.3961G>T, p.Ala1321Ser (NM_001354230.2); c.4024G>T, p.Ala1342Ser (NM_001354231.2, NM_001354242.2); c.4018G>T, p.Ala1340Ser (NM_001354232.2); c.3979G>T, p.Ala1327Ser (NM_001354235.2, NM_001354246.2, NM_001354265.2); c.3880G>T, p.Ala1294Ser (NM_001354236.2); and 31 more; short protein forms A1167S, A1233S, A1253S, A1276S, A1283S, A128S, A1311S, A1318S.
Identifiers: ClinVar variation 1398115 (VCV001398115.8), dbSNP rs868750741, ClinGen allele CA357909433.